The following is an entry in ClinVar:

ClinVar aggregate classification (germline): Uncertain significance (1 of 4 stars; one submission).

Submission:

Women's Health and Genetics/Laboratory Corporation of America, LabCorp
Classification: Uncertain significance. Last evaluated: 2025-02-24. Review status: criteria provided, single submitter. Criteria: LabCorp Variant Classification Summary - May 2015. Collection method: clinical testing. Allele origin: germline.
Comment: Variant summary: CKAP2L c.1284_1286delGAA (p.Gln428_Asn429delinsHis) results in an in-frame deletion-insertion that is predicted to delete 2 amino acids from the protein and insert a single amino acid. The variant was absent in 251364 control chromosomes. The available data on variant occurrences in the general population are insufficient to allow any conclusion about variant significance. To our knowledge, no occurrence of c.1284_1286delGAA in individuals affected with Filippi Syndrome and no experimental evidence demonstrating its impact on protein function have been reported. No submitters have cited clinical-significance assessments for this variant to ClinVar. Based on the evidence outlined above, the variant was classified as uncertain significance.

NM_152515.5(CKAP2L):c.1284_1286del (p.Gln428_Asn429delinsHis)

Gene: CKAP2L (cytoskeleton associated protein 2 like; minus strand). Cytogenetic location: 2q14.1.
Variant type: Deletion.
Coding change: c.1284_1286del on transcript NM_152515.5 (MANE Select); coding-DNA positions 1284 to 1286, 3 bases deleted (GAA; older notation c.1284_1286delGAA).
Protein change: p.Gln428_Asn429delinsHis.
Molecular consequence: inframe indel. On other transcripts: non-coding transcript variant (1).
Genome position (GRCh38, 1-based): chr2:112,756,085-112,756,087, TTC deleted on the plus strand (GAA on the coding strand, the reverse complement: CKAP2L is on the minus strand); deleting any 3 consecutive bases within chr2:112,756,085-112,756,088 gives the same sequence; the c. name uses the placement nearest the transcript's 3' end. VCF-style (leftmost placement, unchanged base first): chr2-112756084-GTTC-G. GRCh37 (hg19) VCF-style: chr2-113513661-GTTC-G.
Other names: c.789_791del, p.Gln263_Asn264delinsHis (NM_001304361.2); c.1284_1286delGAA (NM_152515.5).
Identifiers: ClinVar variation 3768854 (VCV003768854.1).